The following is an entry in ClinVar:

ClinVar aggregate classification (germline): Uncertain significance (1 of 4 stars; one submission).

Submission:

GeneDx
Classification: Uncertain significance. Last evaluated: 2022-09-19. Review status: criteria provided, single submitter. Criteria: GeneDx Variant Classification Process June 2021. Collection method: clinical testing. Allele origin: germline. Affected: yes.
Comment: Not observed at significant frequency in large population cohorts (gnomAD); In silico analysis supports that this missense variant does not alter protein structure/function; Has not been previously published as pathogenic or benign to our knowledge

NM_031418.4(ANO3):c.2365C>G (p.Leu789Val)

Gene: ANO3 (anoctamin 3; plus strand). Cytogenetic location: 11p14.2.
Variant type: single nucleotide variant.
Coding change: c.2365C>G on transcript NM_031418.4 (MANE Select); coding-DNA position 2365, C replaced by G.
Protein change: p.Leu789Val; replaces leucine 789 with valine.
Molecular consequence: missense variant.
Genome position (GRCh38, 1-based): chr11:26,643,271, C>G. VCF-style: chr11-26643271-C-G. GRCh37 (hg19) VCF-style: chr11-26664818-C-G.
Other names: c.2548C>G, p.Leu850Val (NM_001313726.2); c.1927C>G, p.Leu643Val (NM_001313727.2); short protein forms L643V, L789V, L850V.
Identifiers: ClinVar variation 2444842 (VCV002444842.1), dbSNP rs2539007732, ClinGen allele CA379939069.